The following is an entry in ClinVar:

ClinVar aggregate classification (germline): Likely pathogenic (1 of 4 stars; one submission).

Conditions:
Carnitine acylcarnitine translocase deficiency (CACTD). Identifiers: Orphanet 159, MedGen C0342791, MONDO:0008918, OMIM 212138.

Submission:

Juno Genomics, Hangzhou Juno Genomics, Inc
Classification: Likely pathogenic for Carnitine acylcarnitine translocase deficiency. Review status: criteria provided, single submitter. Criteria: ACMG Guidelines, 2015. Collection method: clinical testing. Allele origin: germline.
Comment: Null variant in a gene where loss of function (LOF) is a known mechanism of disease.;Absent from controls (or at extremely low frequency if recessive) in Genome Aggregation Database.

NM_000387.6(SLC25A20):c.706_707insT (p.Arg236fs)

Gene: SLC25A20 (solute carrier family 25 member 20; minus strand). Cytogenetic location: 3p21.31.
Variant type: Insertion.
Coding change: c.706_707insT on transcript NM_000387.6 (MANE Select); coding-DNA positions 706 to 707, T inserted.
Protein change: p.Arg236fs; shifts the reading frame from arginine 236.
Molecular consequence: frameshift variant.
Genome position: GRCh38 VCF-style: chr3-48859103-C-CA. GRCh37 (hg19) VCF-style: chr3-48896536-C-CA.
Other names: short protein forms R236fs.
Identifiers: ClinVar variation 5006638 (VCV005006638.2).
Genomic context (GRCh38, chr3:48,859,103, plus strand): 5'-GTGCTGGGGACCCACTCTCCCCCTGTCCACCCCACTACCTTCCACTCACCAGTCTGGAAT[C>CA]GAGACTTGAGCACATCTGGGGGGATTGCCACAGCCCAGTTGAAGATCCCTGCAATGCCCC-3'